The following is an entry in ClinVar:

ClinVar aggregate classification (germline): Pathogenic. Review status: no assertion criteria provided (0 of 4 stars). 2 submissions from 2 submitters: Pathogenic (1). 1 of the submissions does not count toward it.

Conditions:
Intellectual developmental disorder, X-linked, syndromic, Snyder-Robinson type. Also called: Spermine synthase deficiency; Syndromic X-linked intellectual disability Snyder type; SNYDER-ROBINSON MENTAL RETARDATION SYNDROME; X-linked mental retardation Snyder - Robinson type. Identifiers: Orphanet 3063, MedGen C0796160, MONDO:0010664, OMIM 309583.

Submissions (2):

GeneReviews
No classification provided. Condition: Intellectual developmental disorder, X-linked, syndromic, Snyder-Robinson type. Review status: no classification provided. Collection method: literature only. Allele origin: unknown. Not counted in ClinVar's aggregate classification.

Undiagnosed Diseases Program Translational Research Laboratory, National Institutes of Health
Classification: Pathogenic for Snyder Robinson syndrome. Review status: no assertion criteria provided. Collection method: not provided. Allele origin: inherited, maternal.
ClinVar note: Converted during submission from pathogenic to Pathogenic.

Literature cited by the submitters: PubMed 23805436 (cited by GeneReviews); NCBI Bookshelf NBK144284 (cited by GeneReviews).

NM_004595.5(SMS):c.443A>G (p.Gln148Arg)

Gene: SMS (spermine synthase; plus strand). Cytogenetic location: Xp22.11.
Variant type: single nucleotide variant.
Coding change: c.443A>G on transcript NM_004595.5 (MANE Select); coding-DNA position 443, A replaced by G.
Protein change: p.Gln148Arg; replaces glutamine 148 with arginine.
Molecular consequence: missense variant.
Genome position (GRCh38, 1-based): chrX:21,977,174, A>G. VCF-style: chrX-21977174-A-G. GRCh37 (hg19) VCF-style: chrX-21995292-A-G.
Other names: c.284A>G, p.Gln95Arg (NM_001258423.2); short protein forms Q148R, Q95R.
Identifiers: ClinVar variation 65679 (VCV000065679.4), dbSNP rs397515551, ClinGen allele CA345014.